The following is an entry in ClinVar:

NM_003482.4(KMT2D):c.6748C>G (p.Pro2250Ala)

Gene: KMT2D (lysine methyltransferase 2D; minus strand). Cytogenetic location: 12q13.12.
Variant type: single nucleotide variant.
Coding change: c.6748C>G on transcript NM_003482.4 (MANE Select); coding-DNA position 6748, C replaced by G.
Protein change: p.Pro2250Ala; replaces proline 2250 with alanine.
Molecular consequence: missense variant.
Genome position (GRCh38, 1-based): chr12:49,041,022, G>C on the plus strand (C>G on the coding strand, the complement: KMT2D is on the minus strand). VCF-style: chr12-49041022-G-C. GRCh37 (hg19) VCF-style: chr12-49434805-G-C.
Other names: short protein forms P2250A.
Identifiers: ClinVar variation 4769656 (VCV004769656.1).

ClinVar aggregate classification (germline): Uncertain significance (1 of 4 stars; one submission).

Conditions:
Kabuki syndrome. Also called: Kabuki make-up syndrome; NIIKAWA-KUROKI SYNDROME. Identifiers: Orphanet 2322, MedGen C0796004, MONDO:0016512.

Submission:

Labcorp Genetics (formerly Invitae), Labcorp
Classification: Uncertain significance for Kabuki syndrome. Last evaluated: 2025-09-30. Review status: criteria provided, single submitter. Criteria: Invitae Variant Classification Sherloc (09022015). Collection method: clinical testing. Allele origin: germline.
Comment: This sequence change replaces proline, which is neutral and non-polar, with alanine, which is neutral and non-polar, at codon 2250 of the KMT2D protein (p.Pro2250Ala). This variant is not present in population databases (gnomAD no frequency). This variant has not been reported in the literature in individuals affected with KMT2D-related conditions. Invitae Evidence Modeling of protein sequence and biophysical properties (such as structural, functional, and spatial information, amino acid conservation, physicochemical variation, residue mobility, and thermodynamic stability) indicates that this missense variant is not expected to disrupt KMT2D protein function with a negative predictive value of 95%. In summary, the available evidence is currently insufficient to determine the role of this variant in disease. Therefore, it has been classified as a Variant of Uncertain Significance.